The following is an entry in ClinVar:

ClinVar aggregate classification (germline): Likely pathogenic (1 of 4 stars; one submission).

Conditions:
Hirschsprung disease, susceptibility to, 1 (HSCR1). Also called: RET-Related Hirschsprung Disease. Identifiers: Orphanet 388, MedGen C3888239, MONDO:0007723, OMIM 142623.

Submission:

Victorian Clinical Genetics Services, Murdoch Childrens Research Institute
Classification: Likely pathogenic for Hirschsprung disease, susceptibility to, 1. Last evaluated: 2020-05-26. Review status: criteria provided, single submitter. Criteria: ACMG Guidelines, 2015. Collection method: clinical testing. Allele origin: germline. Inheritance: Autosomal dominant inheritance. Affected: yes.
Comment: A heterozygous canonical splice site variant was identified, NM_020630.4(RET):c.1522+1G>A in intron 7 of 18 of the RET gene. This substitution is predicted to cause aberrant splicing of the RET gene affecting protein function; further testing via RNA studies are required to confirm if splicing is altered. The nucleotide at this position has very high conservation (PhyloP, UCSC) and in silico splicing software predicts the loss of the donor splice site (NetGene2, NNSPLICE, Human Splicing Finder). The variant is not present in the gnomAD population database and the variant has not been previously reported in clinical cases. Subsequent analysis of parental samples indicated that this variant is de novo. Based on information available at the time of curation, this variant has been classified as LIKELY PATHOGENIC.

NM_020975.6(RET):c.1522+1G>A

Gene: RET (ret proto-oncogene; plus strand). Cytogenetic location: 10q11.21.
Variant type: single nucleotide variant.
Coding change: c.1522+1G>A on transcript NM_020975.6 (MANE Select); the canonical splice donor site of the intron after coding-DNA position 1522, G replaced by A.
Molecular consequence: splice donor variant. On other transcripts: intron variant (15).
Genome position (GRCh38, 1-based): chr10:43,111,466, G>A. VCF-style: chr10-43111466-G-A. GRCh37 (hg19) VCF-style: chr10-43606914-G-A.
Other names: c.796+1G>A (NM_001406777.1, NM_001406778.1, NM_001406775.1 and 1 more transcripts); c.338-633G>A (NM_001406790.1, NM_001406788.1, NM_001406789.1 and 1 more transcripts); c.532+1G>A (NM_001406784.1); c.74-633G>A (NM_001406794.1, NM_001406792.1, NM_001406793.1); c.760+1G>A (NM_001355216.2); c.626-633G>A (NM_001406785.1, NM_001406779.1, NM_001406781.1 and 3 more transcripts); c.1393+1G>A (NM_001406764.1, NM_001406762.1, NM_001406761.1 and 1 more transcripts); c.997+1G>A (NM_001406774.1); and 5 more.
Identifiers: ClinVar variation 1805786 (VCV001805786.2), dbSNP rs2132777851, ClinGen allele CA376550056.